The following is an entry in ClinVar:

NM_001377.3(DYNC2H1):c.4766C>T (p.Ser1589Leu)

Gene: DYNC2H1 (dynein cytoplasmic 2 heavy chain 1; plus strand). Cytogenetic location: 11q22.3.
Variant type: single nucleotide variant.
Coding change: c.4766C>T on transcript NM_001377.3 (MANE Select); coding-DNA position 4766, C replaced by T.
Protein change: p.Ser1589Leu; replaces serine 1589 with leucine.
Molecular consequence: missense variant.
Genome position (GRCh38, 1-based): chr11:103,168,758, C>T. VCF-style: chr11-103168758-C-T. GRCh37 (hg19) VCF-style: chr11-103039487-C-T.
Other names: c.4766C>T, p.Ser1589Leu (NM_001080463.2); short protein forms S1589L.
Identifiers: ClinVar variation 2901336 (VCV002901336.2), dbSNP rs770524713, ClinGen allele CA6253633.

ClinVar aggregate classification (germline): Uncertain significance (1 of 4 stars; one submission).

Conditions:
Jeune thoracic dystrophy. Also called: Short-rib thoracic dysplasia; Jeune syndrome; Infantile thoracic dystrophy; Thoracic pelvic phalangeal dystrophy; Jeune's syndrome; Chondroectodermal dysplasia-like syndrome. Identifiers: Orphanet 474, MedGen C0265275, MONDO:0018770.

Allele frequency attached by ClinVar (database versions not stated): ExAC 0.00001; gnomAD 0.00002; gnomAD exomes 0.00002; TOPMed 0.00002.
gnomAD v4.1: 30 of 1,611,652 alleles (0.0019%); highest among the groups gnomAD compares: East Asian, 0.0067%; no homozygotes.

Submission:

Labcorp Genetics (formerly Invitae), Labcorp
Classification: Uncertain significance for Jeune thoracic dystrophy. Last evaluated: 2024-01-09. Review status: criteria provided, single submitter. Criteria: Invitae Variant Classification Sherloc (09022015). Collection method: clinical testing. Allele origin: germline.
Comment: This sequence change replaces serine, which is neutral and polar, with leucine, which is neutral and non-polar, at codon 1589 of the DYNC2H1 protein (p.Ser1589Leu). This variant is present in population databases (rs770524713, gnomAD 0.003%). This variant has not been reported in the literature in individuals affected with DYNC2H1-related conditions. Advanced modeling of protein sequence and biophysical properties (such as structural, functional, and spatial information, amino acid conservation, physicochemical variation, residue mobility, and thermodynamic stability) performed at Invitae indicates that this missense variant is not expected to disrupt DYNC2H1 protein function with a negative predictive value of 95%. Algorithms developed to predict the effect of sequence changes on RNA splicing suggest that this variant may disrupt the consensus splice site. In summary, the available evidence is currently insufficient to determine the role of this variant in disease. Therefore, it has been classified as a Variant of Uncertain Significance.